The following is an entry in ClinVar:

NM_000038.6(APC):c.8425G>A (p.Val2809Met)

Gene: APC (APC regulator of Wnt signaling pathway; plus strand). Cytogenetic location: 5q22.2.
Variant type: single nucleotide variant.
Coding change: c.8425G>A on transcript NM_000038.6 (MANE Select); coding-DNA position 8425, G replaced by A.
Protein change: p.Val2809Met; replaces valine 2809 with methionine.
Molecular consequence: missense variant.
Genome position (GRCh38, 1-based): chr5:112,844,019, G>A. VCF-style: chr5-112844019-G-A. GRCh37 (hg19) VCF-style: chr5-112179716-G-A.
Other names: c.8425G>A, p.Val2809Met (NM_001127510.3, NM_001354895.2); c.8371G>A, p.Val2791Met (NM_001127511.3); c.8479G>A, p.Val2827Met (NM_001354896.2); c.8455G>A, p.Val2819Met (NM_001354897.2); c.8350G>A, p.Val2784Met (NM_001354898.2); c.8341G>A, p.Val2781Met (NM_001354899.2); c.8302G>A, p.Val2768Met (NM_001354900.2); c.8248G>A, p.Val2750Met (NM_001354901.2); and 5 more; short protein forms V2809M, V2791M, V2781M, V2784M, V2718M, V2768M, V2649M, V2683M.
Identifiers: ClinVar variation 350425 (VCV000350425.22), dbSNP rs886059801, ClinGen allele CA10619875.

ClinVar aggregate classification (germline): Conflicting classifications of pathogenicity. Review status: criteria provided, conflicting classifications (1 of 4 stars). 5 submissions from 5 submitters: Uncertain significance (4); Likely benign (1). Last evaluated 2025-08-27.

Conditions:
Familial adenomatous polyposis 1 (FAP1). Also called: POLYPOSIS, ADENOMATOUS INTESTINAL; FAMILIAL ADENOMATOUS POLYPOSIS 1, ATTENUATED. Identifiers: MedGen C2713442, MONDO:0021056, OMIM 175100. Disease mechanism: loss of function.
Classic or attenuated familial adenomatous polyposis. Identifiers: MedGen CN372698, MONDO:0021057.
Hereditary cancer-predisposing syndrome. Also called: Neoplastic Syndromes, Hereditary; Tumor predisposition; Hereditary neoplastic syndrome; Hereditary Cancer Syndrome. Identifiers: Orphanet 140162, MedGen C0027672, MeSH D009386, MONDO:0015356.

Allele frequency attached by ClinVar (database versions not stated): gnomAD exomes below 0.00001.
gnomAD v4.1: 3 of 1,603,520 alleles (0.00019%); highest among the groups gnomAD compares: South Asian, 0.0011%; no homozygotes.

Submissions (5):

Color Diagnostics, LLC DBA Color Health
Classification: Uncertain significance for Hereditary cancer-predisposing syndrome. Last evaluated: 2025-08-27. Review status: criteria provided, single submitter. Criteria: ACMG Guidelines, 2015. Collection method: clinical testing. Allele origin: germline.
Comment: This missense variant replaces valine with methionine at codon 2809 of the APC protein. Computational prediction suggests that this variant may not impact protein structure and function. APC is defined as a gene for which primarily truncating variants are known to cause disease (ClinGen HCCP VCEP). To our knowledge, functional studies have not been reported for this variant. This variant has been reported in an individual affected with colorectal and endometrial cancer (PMID: 29987844). This variant has not been identified in the general population by the Genome Aggregation Database (gnomAD). The available evidence is insufficient to determine the role of this variant in disease conclusively. Therefore, this variant is classified as a Variant of Uncertain Significance.

Ambry Genetics
Classification: Likely benign for Hereditary cancer-predisposing syndrome. Last evaluated: 2025-07-16. Review status: criteria provided, single submitter. Criteria: Ambry Variant Classification Scheme 2023. Collection method: clinical testing. Allele origin: germline.

Labcorp Genetics (formerly Invitae), Labcorp
Classification: Uncertain significance for Familial adenomatous polyposis 1. Last evaluated: 2025-03-23. Review status: criteria provided, single submitter. Criteria: Invitae Variant Classification Sherloc (09022015). Collection method: clinical testing. Allele origin: germline.
Comment: This sequence change replaces valine, which is neutral and non-polar, with methionine, which is neutral and non-polar, at codon 2809 of the APC protein (p.Val2809Met). This variant is not present in population databases (gnomAD no frequency). This missense change has been observed in individual(s) with endometrial cancer and colorectal cancer (PMID: 29987844). ClinVar contains an entry for this variant (Variation ID: 350425). Invitae Evidence Modeling of protein sequence and biophysical properties (such as structural, functional, and spatial information, amino acid conservation, physicochemical variation, residue mobility, and thermodynamic stability) indicates that this missense variant is not expected to disrupt APC protein function with a negative predictive value of 95%. In summary, the available evidence is currently insufficient to determine the role of this variant in disease. Therefore, it has been classified as a Variant of Uncertain Significance.

All of Us Research Program, National Institutes of Health
Classification: Uncertain significance for Classic or attenuated familial adenomatous polyposis. Last evaluated: 2023-05-16. Review status: criteria provided, single submitter. Criteria: ACMG Guidelines, 2015. Collection method: clinical testing. Allele origin: germline. Inheritance: Autosomal dominant inheritance. Observed: 1 variant allele, 1 heterozygote.
Comment: This missense variant replaces valine with methionine at codon 2809 of the APC protein. Computational prediction suggests that this variant may not impact protein structure and function (internally defined REVEL score threshold <= 0.5, PMID: 27666373). To our knowledge, functional studies have not been reported for this variant. This variant has been reported in an individual affected with colorectal and endometrial cancer (PMID: 29987844). This variant has not been identified in the general population by the Genome Aggregation Database (gnomAD). The available evidence is insufficient to determine the role of this variant in disease conclusively. Therefore, this variant is classified as a Variant of Uncertain Significance.

This study involves interpretation of variants in research participants for the purpose of population health screening. Participant phenotype was not available at the time of variant classification. Additional details can be found in publication PMID: 35346344, PMCID: PMC8962531

Neuberg Centre For Genomic Medicine, NCGM
Classification: Uncertain significance for Familial adenomatous polyposis 1. Review status: criteria provided, single submitter. Criteria: ACMG Guidelines, 2015. Collection method: clinical testing. Allele origin: germline. Affected: yes.
Comment: The missense variant p.V2809M in APC (NM_000038.6) has been reported before in two unrelated indviduals with endometrial as well as colon cancer but without a history of polyposis (Kayser K et al). It has been submitted to ClinVar as Uncertain significane. The p.V2809M variant is novel (not in any individuals) in gnomAD Exomes and is novel (not in any individuals) in 1000 Genomes. The p.V2809M missense variant is predicted to be damaging by both SIFT and PolyPhen2. The valine residue at codon 2809 of APC is conserved in all mammalian species. The nucleotide c.8425 in APC is predicted conserved by GERP++ and PhyloP across 100 vertebrates. For these reasons, this variant has been classified as Uncertain Significance.

Literature cited by the submitters: PubMed 29987844 (cited by 4 submitters).